The following is an entry in ClinVar:

NM_000642.3(AGL):c.778G>A (p.Asp260Asn)

Gene: AGL (amylo-alpha-1,6-glucosidase and 4-alpha-glucanotransferase; plus strand). Cytogenetic location: 1p21.2.
Variant type: single nucleotide variant.
Coding change: c.778G>A on transcript NM_000642.3 (MANE Select); coding-DNA position 778, G replaced by A.
Protein change: p.Asp260Asn; replaces aspartic acid 260 with asparagine.
Molecular consequence: missense variant.
Genome position (GRCh38, 1-based): chr1:99,870,513, G>A. VCF-style: chr1-99870513-G-A. GRCh37 (hg19) VCF-style: chr1-100336069-G-A.
Other names: c.778G>A, p.Asp260Asn (NM_000028.3, NM_000643.3, NM_000644.3 and 3 more transcripts); c.730G>A, p.Asp244Asn (NM_000646.3); c.574G>A, p.Asp192Asn (NM_001425328.1, NM_001425329.1); c.400G>A, p.Asp134Asn (NM_001425332.1); short protein forms D134N, D192N, D244N, D260N.
Identifiers: ClinVar variation 3381922 (VCV003381922.2).
Genomic context (GRCh38, chr1:99,870,513, plus strand): 5'-AATTCTCCACACTTAAAACCTGCCTGGGTCTTAGACAGAGCACTTTGGCGTTTCTCCTGT[G>A]ATGTTGCAGAAGGGAAATACAAAGAAAAGGGAATACCTGCTTTGATTGAAAATGATCACC-3'
Protein context (NP_000633.2, residues 250-270): LDRALWRFSC[Asp260Asn]VAEGKYKEKG

ClinVar aggregate classification (germline): Uncertain significance (1 of 4 stars; one submission).

Conditions:
Glycogen storage disease type III (GSD3). Also called: FORBES DISEASE; Cori disease. Identifiers: Orphanet 366, MedGen C0017922, MONDO:0009291, OMIM 232400.

Submission:

Juno Genomics, Hangzhou Juno Genomics, Inc
Classification: Uncertain significance for Glycogen storage disease type III. Review status: criteria provided, single submitter. Criteria: ACMG Guidelines, 2015. Collection method: clinical testing. Allele origin: germline. Affected: yes.
Comment: Absent from controls (or at extremely low frequency if recessive) in Genome Aggregation Database, Exome Sequencing Project, 1000 Genomes Project, or Exome Aggregation Consortium.;For recessive disorders, detected in trans with a pathogenic variant.;Patient's phenotype or family history is highly specific for a disease with a single genetic etiology.